The following is an entry in ClinVar:

NM_144573.4(NEXN):c.220A>C (p.Ile74Leu)

Gene: NEXN (nexilin F-actin binding protein; plus strand). Cytogenetic location: 1p31.1.
Variant type: single nucleotide variant.
Coding change: c.220A>C on transcript NM_144573.4 (MANE Select); coding-DNA position 220, A replaced by C.
Protein change: p.Ile74Leu; replaces isoleucine 74 with leucine.
Molecular consequence: missense variant.
Genome position (GRCh38, 1-based): chr1:77,917,960, A>C. VCF-style: chr1-77917960-A-C. GRCh37 (hg19) VCF-style: chr1-78383645-A-C.
Other names: c.28A>C, p.Ile10Leu (NM_001172309.2); short protein forms I74L, I10L.
Identifiers: ClinVar variation 164781 (VCV000164781.6), dbSNP rs727503342, ClinGen allele CA177484.

ClinVar aggregate classification (germline): Uncertain significance. Review status: criteria provided, multiple submitters, no conflicts (2 of 4 stars). 2 submissions from 2 submitters: Uncertain significance (2). Last evaluated 2024-03-13.

Allele frequency attached by ClinVar (database versions not stated): TOPMed below 0.00001.

Submissions (2):

GeneDx
Classification: Uncertain significance. Last evaluated: 2024-03-13. Review status: criteria provided, single submitter. Criteria: GeneDx Variant Classification Process June 2021. Collection method: clinical testing. Allele origin: germline. Affected: yes.
Comment: Identified in a patient with LVNC in published literature (PMID: 33500567); Not observed at significant frequency in large population cohorts (gnomAD); In silico analysis supports that this missense variant does not alter protein structure/function; This variant is associated with the following publications: (PMID: 33500567)

Laboratory for Molecular Medicine, Mass General Brigham Personalized Medicine
Classification: Uncertain significance. Last evaluated: 2014-07-24. Review status: criteria provided, single submitter. Criteria: LMM Criteria. Collection method: clinical testing. Allele origin: germline. Observed: 1 variant allele.
Comment: The Ile74Leu variant in NEXN has not been previously reported in individuals wit h cardiomyopathy and was absent from large population studies. Isoleucine (Ile) at position 74 is not conserved in evolution and 1 mammal as well as 1 fish spec ies carry a leucine (Leu) at this position, raising the possibility that this ch ange may be tolerated. However, this information is not predictive enough to rul e out pathogenicity. In summary, the clinical significance of the Ile74Leu varia nt is uncertain.